The following is an entry in ClinVar:

NM_000283.4(PDE6B):c.967G>A (p.Gly323Ser)

Genes: PDE6B (phosphodiesterase 6B; plus strand), PDE6B-AS1 (PDE6B antisense RNA 1; minus strand). Cytogenetic location: 4p16.3.
Variant type: single nucleotide variant.
Coding change: c.967G>A on transcript NM_000283.4 (MANE Select); coding-DNA position 967, G replaced by A.
Protein change: p.Gly323Ser; replaces glycine 323 with serine.
Molecular consequence: missense variant. On other transcripts: 5 prime UTR variant (1).
Genome position (GRCh38, 1-based): chr4:654,863, G>A. VCF-style: chr4-654863-G-A. GRCh37 (hg19) VCF-style: chr4-648652-G-A.
Other names: c.967G>A, p.Gly323Ser (NM_001145291.2); c.130G>A, p.Gly44Ser (NM_001145292.2, NM_001350154.3, NM_001379246.1 and 1 more transcripts); c.-74G>A (NM_001350155.3); short protein forms G323S, G44S.
Identifiers: ClinVar variation 905523 (VCV000905523.17), dbSNP rs140224236, ClinGen allele CA2794239.
Genomic context (GRCh38, chr4:654,863, plus strand): 5'-CCAGTGTCTTCTGCTTCTCAGGAAATTGTCTTCTACAAAGTGATCGACTACGTCCTCCAC[G>A]GCAAGGAGGAGATCAAGGTCATTCCGTAAGTGCAGGATTTTACCAGAAGCGTCCCCGGGG-3'
Protein context (NP_000274.3, residues 313-333): FYKVIDYVLH[Gly323Ser]KEEIKVIPTP

ClinVar aggregate classification (germline): Conflicting classifications of pathogenicity. Review status: criteria provided, conflicting classifications (1 of 4 stars). 7 submissions from 6 submitters: Uncertain significance (4); Benign (1); Likely benign (2). Last evaluated 2025-12-02.

Conditions:
Retinal dystrophy. Also called: Inherited retinal dystrophy. Identifiers: Orphanet 71862, MedGen C0854723, MeSH D058499, MONDO:0019118, HP:0000556.
Congenital stationary night blindness autosomal dominant 2. Also called: NIGHT BLINDNESS, CONGENITAL STATIONARY, RAMBUSCH TYPE. Identifiers: Orphanet 215, MedGen C1876182, MONDO:0008099, OMIM 163500.
PDE6B-related disorder. Also called: PDE6B-related disorders; PDE6B-related disease; PDE6B-related condition.
Retinitis pigmentosa (RP). Identifiers: Orphanet 791, MedGen C0035334, MeSH D012174, MONDO:0019200, OMIM 268000. Inheritance: Autosomal dominant, autosomal recessive and X linked inheritance.

Allele frequency attached by ClinVar (database versions not stated): gnomAD 0.00009 and 0.00017; TOPMed 0.00009; ExAC 0.00030; gnomAD exomes 0.00032; 1000 Genomes Project 30x 0.00109; 1000 Genomes Project 0.00140.
gnomAD v4.1: 238 of 1,567,070 alleles (0.015%); highest among the groups gnomAD compares: East Asian, 0.44%; no homozygotes.

Submissions (7):

Labcorp Genetics (formerly Invitae), Labcorp
Classification: Likely benign. Last evaluated: 2025-12-02. Review status: criteria provided, single submitter. Criteria: Invitae Variant Classification Sherloc (09022015). Collection method: clinical testing. Allele origin: germline.

PreventionGenetics, part of Exact Sciences
Classification: Likely benign for PDE6B-related condition. Last evaluated: 2024-11-11. Review status: criteria provided, single submitter. Criteria: ACMG Guidelines, 2015. Collection method: clinical testing. Allele origin: germline.
Comment: This variant is classified as likely benign based on ACMG/AMP sequence variant interpretation guidelines (Richards et al. 2015 PMID: 25741868, with internal and published modifications).

Blueprint Genetics
Classification: Uncertain significance. Last evaluated: 2024-06-28. Review status: criteria provided, single submitter. Criteria: ACMG Guidelines, 2015. Collection method: clinical testing. Allele origin: germline.

Dept Of Ophthalmology, Nagoya University
Classification: Uncertain significance for Retinal dystrophy. Last evaluated: 2023-10-01. Review status: criteria provided, single submitter. Criteria: Submitter's publication. Collection method: research. Allele origin: germline. Affected: yes.

GeneDx
Classification: Uncertain significance. Last evaluated: 2019-11-26. Review status: criteria provided, single submitter. Criteria: GeneDx Variant Classification Process June 2021. Collection method: clinical testing. Allele origin: germline. Affected: yes.
Comment: In silico analysis, which includes protein predictors and evolutionary conservation, supports a deleterious effect; Has not been previously published as pathogenic or benign to our knowledge

Illumina Laboratory Services, Illumina
Classification: Benign for Congenital stationary night blindness autosomal dominant 2. Last evaluated: 2018-01-12. Review status: criteria provided, single submitter. Criteria: ICSL Variant Classification Criteria 13 December 2019. Collection method: clinical testing. Allele origin: germline.
Comment: This variant was observed in the ICSL laboratory as part of a predisposition screen in an ostensibly healthy population. It had not been previously curated by ICSL or reported in the Human Gene Mutation Database (HGMD: prior to June 1st, 2018), and was therefore a candidate for classification through an automated scoring system. Utilizing variant allele frequency, disease prevalence and penetrance estimates, and inheritance mode, an automated score was calculated to assess if this variant is too frequent to cause the disease. Based on the score and internal cut-off values, a variant classified as benign is not then subjected to further curation. The score for this variant resulted in a classification of benign for this disease.

Illumina Laboratory Services, Illumina
Classification: Uncertain significance for Retinitis pigmentosa. Last evaluated: 2018-01-12. Review status: criteria provided, single submitter. Criteria: ICSL Variant Classification Criteria 13 December 2019. Collection method: clinical testing. Allele origin: germline.